The following is an entry in ClinVar:

NM_021098.3(CACNA1H):c.5970G>T (p.Arg1990Ser)

Gene: CACNA1H (calcium voltage-gated channel subunit alpha1 H; plus strand). Cytogenetic location: 16p13.3.
Variant type: single nucleotide variant.
Coding change: c.5970G>T on transcript NM_021098.3 (MANE Select); coding-DNA position 5970, G replaced by T.
Protein change: p.Arg1990Ser; replaces arginine 1990 with serine.
Molecular consequence: missense variant.
Genome position (GRCh38, 1-based): chr16:1,219,052, G>T. VCF-style: chr16-1219052-G-T. GRCh37 (hg19) VCF-style: chr16-1269052-G-T.
Other names: c.5952G>T, p.Arg1984Ser (NM_001005407.2); short protein forms R1990S, R1984S.
Identifiers: ClinVar variation 574065 (VCV000574065.10), dbSNP rs1567556646, ClinGen allele CA394148327.

ClinVar aggregate classification (germline): Uncertain significance (1 of 4 stars; one submission).

Conditions:
Idiopathic generalized epilepsy. Also called: Generalised epilepsy; EIG. Identifiers: MedGen C0270850, MONDO:0005579, OMIM 600669.
Hyperaldosteronism, familial, type IV (HALD4). Also called: FH IV; ALDOSTERONISM, PRIMARY, AND HYPERTENSION. Identifiers: Orphanet 642671, MedGen C4310756, MONDO:0014875, OMIM 617027.

Allele frequency attached by ClinVar (database versions not stated): gnomAD 0.00001; TOPMed 0.00001.

Submission:

Labcorp Genetics (formerly Invitae), Labcorp
Classification: Uncertain significance for Idiopathic generalized epilepsy; Hyperaldosteronism, familial, type IV. Last evaluated: 2022-08-23. Review status: criteria provided, single submitter. Criteria: Invitae Variant Classification Sherloc (09022015). Collection method: clinical testing. Allele origin: germline.
Comment: This sequence change replaces arginine, which is basic and polar, with serine, which is neutral and polar, at codon 1990 of the CACNA1H protein (p.Arg1990Ser). This variant is not present in population databases (gnomAD no frequency). This variant has not been reported in the literature in individuals affected with CACNA1H-related conditions. ClinVar contains an entry for this variant (Variation ID: 574065). Advanced modeling of protein sequence and biophysical properties (such as structural, functional, and spatial information, amino acid conservation, physicochemical variation, residue mobility, and thermodynamic stability) performed at Invitae indicates that this missense variant is not expected to disrupt CACNA1H protein function. Algorithms developed to predict the effect of sequence changes on RNA splicing suggest that this variant may disrupt the consensus splice site. In summary, the available evidence is currently insufficient to determine the role of this variant in disease. Therefore, it has been classified as a Variant of Uncertain Significance.